The following is an entry in ClinVar:

NM_000238.4(KCNH2):c.431A>T (p.Asp144Val)

Gene: KCNH2 (potassium voltage-gated channel subfamily H member 2; minus strand). Cytogenetic location: 7q36.1.
Variant type: single nucleotide variant.
Coding change: c.431A>T on transcript NM_000238.4 (MANE Select); coding-DNA position 431, A replaced by T.
Protein change: p.Asp144Val; replaces aspartic acid 144 with valine.
Molecular consequence: missense variant.
Genome position (GRCh38, 1-based): chr7:150,959,613, T>A on the plus strand (A>T on the coding strand, the complement: KCNH2 is on the minus strand). VCF-style: chr7-150959613-T-A. GRCh37 (hg19) VCF-style: chr7-150656701-T-A.
Other names: c.143A>T, p.Asp48Val (NM_001406753.1, NM_001406756.1); c.254A>T, p.Asp85Val (NM_001406755.1); c.131A>T, p.Asp44Val (NM_001406757.1); c.431A>T, p.Asp144Val (NM_172056.3); c.431A>T (NM_000238.2); short protein forms D144V, D44V, D48V, D85V.
Identifiers: ClinVar variation 526910 (VCV000526910.21), dbSNP rs146284716, ClinGen allele CA039396.

ClinVar aggregate classification (germline): Conflicting classifications of pathogenicity. Review status: criteria provided, conflicting classifications (1 of 4 stars). 7 submissions from 7 submitters: Uncertain significance (2); Likely benign (4). 1 of the submissions does not count toward it. Last evaluated 2026-01-26.

Conditions:
Cardiovascular phenotype. Identifiers: MedGen CN230736.
Long QT syndrome (LQTS). Identifiers: MedGen C0023976, MeSH D008133, MONDO:0002442. Disease mechanism: loss of function. Inheritance: Various modes of inheritance.
Cardiac arrhythmia. Also called: Cardiac rhythm disease; Arrhythmia. Identifiers: MedGen C0003811, MONDO:0007263, HP:0011675.
KCNH2-related disorder. Also called: KCNH2-related disorders; KCNH2-related condition.

Allele frequency attached by ClinVar (database versions not stated): gnomAD exomes 0.00003; ExAC 0.00005; TOPMed 0.00012; gnomAD 0.00016; ESP Exome Variant Server 0.00023.

Submissions (7):

Labcorp Genetics (formerly Invitae), Labcorp
Classification: Uncertain significance for Long QT syndrome. Last evaluated: 2026-01-26. Review status: criteria provided, single submitter. Criteria: Invitae Variant Classification Sherloc (09022015). Collection method: clinical testing. Allele origin: germline.
Comment: This sequence change replaces aspartic acid, which is acidic and polar, with valine, which is neutral and non-polar, at codon 144 of the KCNH2 protein (p.Asp144Val). This variant is present in population databases (rs146284716, gnomAD 0.05%). This variant has not been reported in the literature in individuals affected with KCNH2-related conditions. ClinVar contains an entry for this variant (Variation ID: 526910). An algorithm developed to predict the effect of missense changes on protein structure and function (PolyPhen-2) suggests that this variant is likely to be tolerated. In summary, the available evidence is currently insufficient to determine the role of this variant in disease. Therefore, it has been classified as a Variant of Uncertain Significance.

GeneDx
Classification: Uncertain significance. Last evaluated: 2024-05-08. Review status: criteria provided, single submitter. Criteria: GeneDx Variant Classification Process June 2021. Collection method: clinical testing. Allele origin: germline. Affected: yes.
Comment: In silico analysis indicates that this missense variant does not alter protein structure/function; Has not been previously published as pathogenic or benign to our knowledge; This variant is associated with the following publications: (PMID: 25914329)

Ambry Genetics
Classification: Likely benign for Cardiovascular phenotype. Last evaluated: 2024-04-01. Review status: criteria provided, single submitter. Criteria: Ambry Variant Classification Scheme 2023. Collection method: clinical testing. Allele origin: germline.

All of Us Research Program, National Institutes of Health
Classification: Likely benign for Long QT syndrome. Last evaluated: 2023-12-13. Review status: criteria provided, single submitter. Criteria: ACMG Guidelines, 2015. Collection method: clinical testing. Allele origin: germline. Inheritance: Autosomal dominant inheritance. Observed: 7 variant alleles, 7 heterozygotes.
Comment: This study involves interpretation of variants in research participants for the purpose of population health screening. Participant phenotype was not available at the time of variant classification. Additional details can be found in publication PMID: 35346344, PMCID: PMC8962531

Blueprint Genetics
Classification: Likely benign. Last evaluated: 2021-12-29. Review status: criteria provided, single submitter. Criteria: ACMG Guidelines, 2015. Collection method: clinical testing. Allele origin: germline.

Color Diagnostics, LLC DBA Color Health
Classification: Likely benign for Arrhythmia. Last evaluated: 2020-03-06. Review status: criteria provided, single submitter. Criteria: ACMG Guidelines, 2015. Collection method: clinical testing. Allele origin: germline.

PreventionGenetics, part of Exact Sciences
Classification: Likely benign for KCNH2-related condition. Last evaluated: 2022-03-23. Review status: no assertion criteria provided. Collection method: clinical testing. Allele origin: germline. Not counted in ClinVar's aggregate classification.
Comment: This variant is classified as likely benign based on ACMG/AMP sequence variant interpretation guidelines (Richards et al. 2015 PMID: 25741868, with internal and published modifications).